The following is an entry in ClinVar:

NM_000038.6(APC):c.5543C>G (p.Pro1848Arg)

Gene: APC (APC regulator of Wnt signaling pathway; plus strand). Cytogenetic location: 5q22.2.
Variant type: single nucleotide variant.
Coding change: c.5543C>G on transcript NM_000038.6 (MANE Select); coding-DNA position 5543, C replaced by G.
Protein change: p.Pro1848Arg; replaces proline 1848 with arginine.
Molecular consequence: missense variant.
Genome position (GRCh38, 1-based): chr5:112,841,137, C>G. VCF-style: chr5-112841137-C-G. GRCh37 (hg19) VCF-style: chr5-112176834-C-G.
Other names: c.5543C>G, p.Pro1848Arg (NM_001127510.3, NM_001354895.2); c.5489C>G, p.Pro1830Arg (NM_001127511.3); c.5597C>G, p.Pro1866Arg (NM_001354896.2); c.5573C>G, p.Pro1858Arg (NM_001354897.2); c.5468C>G, p.Pro1823Arg (NM_001354898.2); c.5459C>G, p.Pro1820Arg (NM_001354899.2); c.5420C>G, p.Pro1807Arg (NM_001354900.2); c.5366C>G, p.Pro1789Arg (NM_001354901.2); and 5 more; short protein forms P1830R, P1848R, P1757R, P1722R, P1747R, P1789R, P1807R, P1823R.
Identifiers: ClinVar variation 537424 (VCV000537424.10), dbSNP rs746943534, ClinGen allele CA16033459.

ClinVar aggregate classification (germline): Uncertain significance (1 of 4 stars; one submission).

Conditions:
Familial adenomatous polyposis 1 (FAP1). Also called: FAMILIAL ADENOMATOUS POLYPOSIS 1, ATTENUATED; POLYPOSIS, ADENOMATOUS INTESTINAL. Identifiers: MedGen C2713442, MONDO:0021056, OMIM 175100. Disease mechanism: loss of function.

Submission:

Labcorp Genetics (formerly Invitae), Labcorp
Classification: Uncertain significance for Familial adenomatous polyposis 1. Last evaluated: 2017-10-03. Review status: criteria provided, single submitter. Criteria: Invitae Variant Classification Sherloc (09022015). Collection method: clinical testing. Allele origin: germline.
Comment: This sequence change replaces proline with arginine at codon 1848 of the APC protein (p.Pro1848Arg). The proline residue is highly conserved and there is a moderate physicochemical difference between proline and arginine. This variant is not present in population databases (ExAC no frequency). This variant has not been reported in the literature in individuals with APC-related disease. Algorithms developed to predict the effect of missense changes on protein structure and function (SIFT, PolyPhen-2, Align-GVGD) all suggest that this variant is likely to be disruptive, but these predictions have not been confirmed by published functional studies and their clinical significance is uncertain. In summary, the available evidence is currently insufficient to determine the role of this variant in disease. Therefore, it has been classified as a Variant of Uncertain Significance.